The following is an entry in ClinVar:

ClinVar aggregate classification (germline): Uncertain significance. Review status: criteria provided, multiple submitters, no conflicts (2 of 4 stars). 3 submissions from 3 submitters: Uncertain significance (3). Last evaluated 2025-08-12.

Conditions:
Inborn genetic diseases. Identifiers: MedGen C0950123, MeSH D030342.
Deafness-lymphedema-leukemia syndrome. Also called: Emberger syndrome; Lymphedema, primary, with myelodysplasia. Identifiers: Orphanet 3226, MedGen C3279664, MONDO:0013540, OMIM 614038.
Monocytopenia with susceptibility to infections. Also called: MONOCYTOPENIA AND MYCOBACTERIAL INFECTION SYNDROME; MONOCYTOPENIA WITH SUSCEPTIBILITY TO MYCOBACTERIAL, FUNGAL, AND PAPILLOMAVIRUS INFECTIONS AND MYELODYSPLASIA; COMBINED IMMUNODEFICIENCY WITH SUSCEPTIBILITY TO MYCOBACTERIAL, VIRAL, AND FUNGAL INFECTIONS; Dendritic cell, monocyte, B lymphocyte, and natural killer lymphocyte deficiency; IMMUNODEFICIENCY 21; GATA2 DEFICIENCY. Identifiers: Orphanet 228423, MedGen C3280030, MONDO:0013607, OMIM 614172.
GATA2 deficiency with susceptibility to MDS/AML. Identifiers: MedGen CN300066, MONDO:0042982.

gnomAD v4.1: 1 of 1,608,548 alleles (0.000062%); no homozygotes.

Submissions (3):

Ambry Genetics
Classification: Uncertain significance for Inborn genetic diseases. Last evaluated: 2025-08-12. Review status: criteria provided, single submitter. Criteria: Ambry Variant Classification Scheme 2023. Collection method: clinical testing. Allele origin: germline.
Comment: The p.L17M variant (also known as c.49C>A), located in coding exon 1 of the GATA2 gene, results from a C to A substitution at nucleotide position 49. The leucine at codon 17 is replaced by methionine, an amino acid with highly similar properties. This amino acid position is highly conserved in available vertebrate species. In addition, the in silico prediction for this alteration is inconclusive. Based on the available evidence, the clinical significance of this variant remains unclear.

Molecular Pathology, Peter Maccallum Cancer Centre
Classification: Uncertain significance for GATA2 deficiency with susceptibility to MDS/AML. Last evaluated: 2025-04-01. Review status: criteria provided, single submitter. Criteria: ACMG Guidelines, 2015. Collection method: clinical testing. Allele origin: germline. Inheritance: Autosomal dominant inheritance.

Labcorp Genetics (formerly Invitae), Labcorp
Classification: Uncertain significance for Monocytopenia with susceptibility to infections; Deafness-lymphedema-leukemia syndrome. Last evaluated: 2024-08-27. Review status: criteria provided, single submitter. Criteria: Invitae Variant Classification Sherloc (09022015). Collection method: clinical testing. Allele origin: germline.
Comment: This sequence change replaces leucine, which is neutral and non-polar, with methionine, which is neutral and non-polar, at codon 17 of the GATA2 protein (p.Leu17Met). This variant is not present in population databases (gnomAD no frequency). This variant has not been reported in the literature in individuals affected with GATA2-related conditions. ClinVar contains an entry for this variant (Variation ID: 1056151). Invitae Evidence Modeling of protein sequence and biophysical properties (such as structural, functional, and spatial information, amino acid conservation, physicochemical variation, residue mobility, and thermodynamic stability) indicates that this missense variant is not expected to disrupt GATA2 protein function with a negative predictive value of 95%. In summary, the available evidence is currently insufficient to determine the role of this variant in disease. Therefore, it has been classified as a Variant of Uncertain Significance.

NM_032638.5(GATA2):c.49C>A (p.Leu17Met)

Gene: GATA2 (GATA binding protein 2; minus strand). Cytogenetic location: 3q21.3.
Variant type: single nucleotide variant.
Coding change: c.49C>A on transcript NM_032638.5 (MANE Select); coding-DNA position 49, C replaced by A.
Protein change: p.Leu17Met; replaces leucine 17 with methionine.
Molecular consequence: missense variant.
Genome position (GRCh38, 1-based): chr3:128,486,983, G>T on the plus strand (C>A on the coding strand, the complement: GATA2 is on the minus strand). VCF-style: chr3-128486983-G-T. GRCh37 (hg19) VCF-style: chr3-128205826-G-T.
Other names: c.49C>A, p.Leu17Met (NM_001145661.2, NM_001145662.1); c.49C>A (NM_032638.4); short protein forms L17M.
Identifiers: ClinVar variation 1056151 (VCV001056151.11), dbSNP rs752025757, ClinGen allele CA354409156.